The following is an entry in ClinVar:

NM_000215.4(JAK3):c.1280del (p.Gly427fs)

Gene: JAK3 (Janus kinase 3; minus strand). Cytogenetic location: 19p13.11.
Variant type: Deletion.
Coding change: c.1280del on transcript NM_000215.4 (MANE Select); coding-DNA position 1280, one base deleted (G; older notation c.1280delG).
Protein change: p.Gly427fs; shifts the reading frame from glycine 427.
Molecular consequence: frameshift variant.
Genome position (GRCh38, 1-based): chr19:17,839,638, C deleted on the plus strand (G on the coding strand, the reverse complement: JAK3 is on the minus strand); the first of 3 consecutive C bases (chr19:17,839,638-17,839,640); deleting any one gives the same sequence. VCF-style (leftmost placement, unchanged base first): chr19-17839637-GC-G. GRCh37 (hg19) VCF-style: chr19-17950446-GC-G.
Other names: short protein forms G427fs.
Identifiers: ClinVar variation 2768305 (VCV002768305.3), dbSNP rs2514566459, ClinGen allele CA2697556395.

ClinVar aggregate classification (germline): Pathogenic (1 of 4 stars; one submission).

Conditions:
T-B+ severe combined immunodeficiency due to JAK3 deficiency. Also called: SCID, autosomal recessive, T-negative/B-positive type; SCID, T CELL-NEGATIVE, B CELL-POSITIVE, NK CELL-NEGATIVE. Identifiers: Orphanet 35078, MedGen C1833275, MONDO:0010938, OMIM 600802.

Submission:

Labcorp Genetics (formerly Invitae), Labcorp
Classification: Pathogenic for T-B+ severe combined immunodeficiency due to JAK3 deficiency. Last evaluated: 2025-02-09. Review status: criteria provided, single submitter. Criteria: Invitae Variant Classification Sherloc (09022015). Collection method: clinical testing. Allele origin: germline.
Comment: This sequence change creates a premature translational stop signal (p.Gly427Alafs*38) in the JAK3 gene. It is expected to result in an absent or disrupted protein product. Loss-of-function variants in JAK3 are known to be pathogenic (PMID: 7481768, 11668621). This variant is not present in population databases (gnomAD no frequency). This variant has not been reported in the literature in individuals affected with JAK3-related conditions. ClinVar contains an entry for this variant (Variation ID: 2768305). For these reasons, this variant has been classified as Pathogenic.

Literature cited by the submitters: PubMed 7481768; PubMed 11668621.